The following is an entry in ClinVar:

ClinVar aggregate classification (germline): Uncertain significance. Review status: criteria provided, multiple submitters, no conflicts (2 of 4 stars). 2 submissions from 2 submitters: Uncertain significance (2). Last evaluated 2023-10-20.

Conditions:
DICER1-related tumor predisposition. Also called: DICER1 syndrome; DICER1-related pleuropulmonary blastoma cancer predisposition syndrome. Identifiers: Orphanet 284343, MedGen C3839822, MONDO:0100216.

Submissions (2):

Blueprint Genetics
Classification: Uncertain significance. Last evaluated: 2023-10-20. Review status: criteria provided, single submitter. Criteria: ACMG Guidelines, 2015. Collection method: clinical testing. Allele origin: germline.

Labcorp Genetics (formerly Invitae), Labcorp
Classification: Uncertain significance for DICER1-related tumor predisposition. Last evaluated: 2023-03-10. Review status: criteria provided, single submitter. Criteria: Invitae Variant Classification Sherloc (09022015). Collection method: clinical testing. Allele origin: germline.
Comment: This sequence change replaces aspartic acid, which is acidic and polar, with histidine, which is basic and polar, at codon 1753 of the DICER1 protein (p.Asp1753His). This variant is not present in population databases (gnomAD no frequency). In summary, the available evidence is currently insufficient to determine the role of this variant in disease. Therefore, it has been classified as a Variant of Uncertain Significance. Advanced modeling of protein sequence and biophysical properties (such as structural, functional, and spatial information, amino acid conservation, physicochemical variation, residue mobility, and thermodynamic stability) performed at Invitae indicates that this missense variant is expected to disrupt DICER1 protein function. ClinVar contains an entry for this variant (Variation ID: 847357). This variant has not been reported in the literature in individuals affected with DICER1-related conditions.

NM_177438.3(DICER1):c.5257G>C (p.Asp1753His)

Gene: DICER1 (dicer 1, ribonuclease III; minus strand). Cytogenetic location: 14q32.13.
Variant type: single nucleotide variant.
Coding change: c.5257G>C on transcript NM_177438.3 (MANE Select); coding-DNA position 5257, G replaced by C.
Protein change: p.Asp1753His; replaces aspartic acid 1753 with histidine.
Molecular consequence: missense variant.
Genome position (GRCh38, 1-based): chr14:95,093,995, C>G on the plus strand (G>C on the coding strand, the complement: DICER1 is on the minus strand). VCF-style: chr14-95093995-C-G. GRCh37 (hg19) VCF-style: chr14-95560332-C-G.
Other names: c.5257G>C, p.Asp1753His (NM_001195573.1, NM_001271282.3, NM_001291628.2 and 1 more transcripts); short protein forms D1753H.
Identifiers: ClinVar variation 847357 (VCV000847357.12), dbSNP rs1460430963, ClinGen allele CA390865106.
Genomic context (GRCh38, chr14:95,093,995, plus strand): 5'-CAAAGTCATCAATGACATGGAAGAGCTCAGGAGAGACAGCTTTGAAGTACTTGTGGTAGT[C>G]GTACTTTACAGCCAGCGATGCAAAGATGGTGTTGTTGACCAGGGCAGACCGCAGGTCTGT-3'
Protein context (NP_803187.1, residues 1743-1763): TIFASLAVKY[Asp1753His]YHKYFKAVSP